The following is an entry in ClinVar:

NM_000263.4(NAGLU):c.1041G>A (p.Trp347Ter)

Gene: NAGLU (N-acetyl-alpha-glucosaminidase; plus strand). Cytogenetic location: 17q21.2.
Variant type: single nucleotide variant.
Coding change: c.1041G>A on transcript NM_000263.4 (MANE Select); coding-DNA position 1041, G replaced by A.
Protein change: p.Trp347Ter; replaces tryptophan 347 with a stop codon.
Molecular consequence: nonsense.
Genome position (GRCh38, 1-based): chr17:42,543,047, G>A. VCF-style: chr17-42543047-G-A. GRCh37 (hg19) VCF-style: chr17-40695065-G-A.
Other names: short protein forms W347*.
Identifiers: ClinVar variation 2938127 (VCV002938127.5), dbSNP rs2510658609, ClinGen allele CA399600895.

ClinVar aggregate classification (germline): Pathogenic/Likely pathogenic. Review status: criteria provided, multiple submitters, no conflicts (2 of 4 stars). 2 submissions from 2 submitters: Pathogenic (1); Likely pathogenic (1). Last evaluated 2022-12-31.

Conditions:
Mucopolysaccharidosis, MPS-III-B (MPS3B). Also called: N-ACETYL-ALPHA-D-GLUCOSAMINIDASE DEFICIENCY; NAGLU DEFICIENCY; SANFILIPPO SYNDROME B; Mucopolysaccharidosis type IIIB (Sanfilippo B); MUCOPOLYSACCHARIDOSIS, TYPE IIIB; MPS IIIB (Sanfilippo Syndrome Type B). Identifiers: Orphanet 79270, MedGen C0086648, MONDO:0009656, OMIM 252920.
Charcot-Marie-Tooth disease axonal type 2V. Also called: CHARCOT-MARIE-TOOTH NEUROPATHY, TYPE 2V; CHARCOT-MARIE-TOOTH DISEASE, AXONAL, AUTOSOMAL DOMINANT, TYPE 2V. Identifiers: Orphanet 447964, MedGen C5569050, MONDO:0014665, OMIM 616491.

Submissions (2):

Labcorp Genetics (formerly Invitae), Labcorp
Classification: Pathogenic for Charcot-Marie-Tooth disease axonal type 2V; Mucopolysaccharidosis, MPS-III-B. Last evaluated: 2022-12-31. Review status: criteria provided, single submitter. Criteria: Invitae Variant Classification Sherloc (09022015). Collection method: clinical testing. Allele origin: germline.
Comment: For these reasons, this variant has been classified as Pathogenic. This variant disrupts a region of the NAGLU protein in which other variant(s) (p.Gln706* ) have been determined to be pathogenic (PMID: 9443875, 29661560). This suggests that this is a clinically significant region of the protein, and that variants that disrupt it are likely to be disease-causing. This premature translational stop signal has been observed in individual(s) with Mucopolysaccharidosis type III (PMID: 32447333). This variant is not present in population databases (gnomAD no frequency). This sequence change creates a premature translational stop signal (p.Trp347*) in the NAGLU gene. While this is not anticipated to result in nonsense mediated decay, it is expected to disrupt the last 397 amino acid(s) of the NAGLU protein.

Juno Genomics, Hangzhou Juno Genomics, Inc
Classification: Likely pathogenic for Mucopolysaccharidosis, MPS-III-B. Review status: criteria provided, single submitter. Criteria: ACMG Guidelines, 2015. Collection method: clinical testing. Allele origin: germline.
Comment: Absent from controls (or at extremely low frequency if recessive) in Genome Aggregation Database.;Null variant in a gene where loss of function (LOF) is a known mechanism of disease.;For recessive disorders, detected in trans with a pathogenic variant.;Patient's phenotype or family history is highly specific for a disease with a single genetic etiology.

Literature cited by the submitters: PubMed 9443875 (cited by Labcorp Genetics (formerly Invitae), Labcorp); PubMed 29661560 (cited by Labcorp Genetics (formerly Invitae), Labcorp); PubMed 32447333 (cited by Labcorp Genetics (formerly Invitae), Labcorp).